The following is an entry in ClinVar:

ClinVar aggregate classification (germline): Uncertain significance. Review status: criteria provided, multiple submitters, no conflicts (2 of 4 stars). 2 submissions from 2 submitters: Uncertain significance (2). Last evaluated 2025-12-10.

Allele frequency attached by ClinVar (database versions not stated): gnomAD 0.00010; TOPMed 0.00003; 1000 Genomes Project 30x 0.00109; 1000 Genomes Project 0.00120.
gnomAD v4.1: 177 of 1,613,678 alleles (0.011%); highest among the groups gnomAD compares: South Asian, 0.18%; 3 homozygotes.

Submissions (2):

Labcorp Genetics (formerly Invitae), Labcorp
Classification: Uncertain significance. Last evaluated: 2025-12-10. Review status: criteria provided, single submitter. Criteria: Invitae Variant Classification Sherloc (09022015). Collection method: clinical testing. Allele origin: germline.
Comment: This sequence change replaces threonine, which is neutral and polar, with serine, which is neutral and polar, at codon 960 of the BUB1 protein (p.Thr960Ser). This variant is present in population databases (rs568296249, gnomAD 0.2%), and has an allele count higher than expected for a pathogenic variant. This variant has not been reported in the literature in individuals affected with BUB1-related conditions. ClinVar contains an entry for this variant (Variation ID: 2464712). Experimental studies and prediction algorithms are not available or were not evaluated, and the functional significance of this variant is currently unknown. In summary, the available evidence is currently insufficient to determine the role of this variant in disease. Therefore, it has been classified as a Variant of Uncertain Significance.

Ambry Genetics
Classification: Uncertain significance. Last evaluated: 2023-02-02. Review status: criteria provided, single submitter. Criteria: Ambry Variant Classification Scheme 2023. Collection method: clinical testing. Allele origin: germline.
Comment: The p.T960S variant (also known as c.2878A>T), located in coding exon 23 of the BUB1 gene, results from an A to T substitution at nucleotide position 2878. The threonine at codon 960 is replaced by serine, an amino acid with similar properties. This amino acid position is conserved. In addition, this alteration is predicted to be tolerated by in silico analysis. Since supporting evidence is limited at this time, the clinical significance of this alteration remains unclear.

NM_004336.5(BUB1):c.2878A>T (p.Thr960Ser)

Gene: BUB1 (BUB1 mitotic checkpoint serine/threonine kinase; minus strand). Cytogenetic location: 2q13.
Variant type: single nucleotide variant.
Coding change: c.2878A>T on transcript NM_004336.5 (MANE Select); coding-DNA position 2878, A replaced by T.
Protein change: p.Thr960Ser; replaces threonine 960 with serine.
Molecular consequence: missense variant.
Genome position (GRCh38, 1-based): chr2:110,641,111, T>A on the plus strand (A>T on the coding strand, the complement: BUB1 is on the minus strand). VCF-style: chr2-110641111-T-A. GRCh37 (hg19) VCF-style: chr2-111398688-T-A.
Other names: c.2818A>T, p.Thr940Ser (NM_001278616.2); c.2707A>T, p.Thr903Ser (NM_001278617.2); short protein forms T940S, T903S, T960S.
Identifiers: ClinVar variation 2464712 (VCV002464712.4), dbSNP rs568296249, ClinGen allele CA1827700.